The following is an entry in ClinVar:

NM_152383.5(DIS3L2):c.295G>A (p.Val99Ile)

Gene: DIS3L2 (DIS3 like 3'-5' exoribonuclease 2; plus strand). Cytogenetic location: 2q37.1.
Variant type: single nucleotide variant.
Coding change: c.295G>A on transcript NM_152383.5 (MANE Select); coding-DNA position 295, G replaced by A.
Protein change: p.Val99Ile; replaces valine 99 with isoleucine.
Molecular consequence: missense variant. On other transcripts: non-coding transcript variant (2).
Genome position (GRCh38, 1-based): chr2:232,030,009, G>A. VCF-style: chr2-232030009-G-A. GRCh37 (hg19) VCF-style: chr2-232894719-G-A.
Other names: c.295G>A, p.Val99Ile (NM_001257281.2, NM_001257282.2); short protein forms V99I.
Identifiers: ClinVar variation 2879991 (VCV002879991.3), dbSNP rs2106239713, ClinGen allele CA351152907.

ClinVar aggregate classification (germline): Uncertain significance (1 of 4 stars; one submission).

Conditions:
Perlman syndrome (PRLMNS). Identifiers: Orphanet 2849, MedGen C0796113, MONDO:0009965, OMIM 267000.

Submission:

Labcorp Genetics (formerly Invitae), Labcorp
Classification: Uncertain significance for Perlman syndrome. Last evaluated: 2023-02-11. Review status: criteria provided, single submitter. Criteria: Invitae Variant Classification Sherloc (09022015). Collection method: clinical testing. Allele origin: germline.
Comment: This variant has not been reported in the literature in individuals affected with DIS3L2-related conditions. In summary, the available evidence is currently insufficient to determine the role of this variant in disease. Therefore, it has been classified as a Variant of Uncertain Significance. Algorithms developed to predict the effect of missense changes on protein structure and function output the following: SIFT: "Tolerated"; PolyPhen-2: "Benign"; Align-GVGD: "Class C0". The isoleucine amino acid residue is found in multiple mammalian species, which suggests that this missense change does not adversely affect protein function. This variant is not present in population databases (gnomAD no frequency). This sequence change replaces valine, which is neutral and non-polar, with isoleucine, which is neutral and non-polar, at codon 99 of the DIS3L2 protein (p.Val99Ile).